The following is an entry in ClinVar:

NM_015215.4(CAMTA1):c.1202T>C (p.Met401Thr)

Gene: CAMTA1 (calmodulin binding transcription activator 1; plus strand). Cytogenetic location: 1p36.23.
Variant type: single nucleotide variant.
Coding change: c.1202T>C on transcript NM_015215.4 (MANE Select); coding-DNA position 1202, T replaced by C.
Protein change: p.Met401Thr; replaces methionine 401 with threonine.
Molecular consequence: missense variant.
Genome position (GRCh38, 1-based): chr1:7,663,749, T>C. VCF-style: chr1-7663749-T-C. GRCh37 (hg19) VCF-style: chr1-7723809-T-C.
Other names: c.1112T>C, p.Met371Thr (NM_001349608.2, NM_001349612.2); c.1202T>C, p.Met401Thr (NM_001349609.2, NM_001349610.2, NM_001410737.1); c.1130T>C, p.Met377Thr (NM_001410738.1); short protein forms M371T, M377T, M401T.
Identifiers: ClinVar variation 3347510 (VCV003347510.1).

ClinVar aggregate classification (germline): Uncertain significance (0 of 4 stars; one submission).

Conditions:
CAMTA1-related disorder. Also called: CAMTA1-related condition.

gnomAD v4.1: 2 of 1,614,030 alleles (0.00012%); highest among the groups gnomAD compares: Non-Finnish European, 0.00017%; no homozygotes.

Submission:

PreventionGenetics, part of Exact Sciences
Classification: Uncertain significance for CAMTA1-related condition. Last evaluated: 2024-08-26. Review status: no assertion criteria provided. Collection method: clinical testing. Allele origin: germline.
Comment: The CAMTA1 c.1202T>C variant is predicted to result in the amino acid substitution p.Met401Thr. To our knowledge, this variant has not been reported in the literature or in a large population database, indicating this variant is rare. At this time, the clinical significance of this variant is uncertain due to the absence of conclusive functional and genetic evidence.